The following is an entry in ClinVar:

GRCh37/hg19 1q21.1(chr1:145038814-145747463)

Genes: ANKRD34A (ankyrin repeat domain 34A; minus strand), ANKRD35 (ankyrin repeat domain 35; minus strand), CD160 (CD160 molecule; plus strand), HJV (hemojuvelin BMP co-receptor; minus strand), ITGA10 (integrin subunit alpha 10; minus strand) and 13 more. Cytogenetic location: 1q21.1.
Variant type: copy number loss.
Identifiers: ClinVar variation 1333003 (VCV001333003.2).

ClinVar aggregate classification (germline): Pathogenic (1 of 4 stars; one submission).

Conditions:
Radial aplasia-thrombocytopenia syndrome (TAR). Also called: Thrombocytopenia Absent Radius Syndrome; TAR syndrome. Identifiers: Orphanet 3320, MedGen C0175703, MeSH C536940, MONDO:0010121, OMIM 274000.

Submission:

ISTH-SSC Genomics in Thrombosis and Hemostasis, KU Leuven, Center for Molecular and Vascular Biology
Classification: Pathogenic for Radial aplasia-thrombocytopenia syndrome. Review status: criteria provided, single submitter. Criteria: ACMG Guidelines, 2015. Collection method: research. Allele origin: de novo. Inheritance: Autosomal recessive inheritance. Affected: yes.
Comment: Gold Variant submitter: JDr J.M. Bastida, Hospital Universitario Salamanca - IBSAL, Spain

Literature cited by the submitters: PubMed 28983057.